The following is an entry in ClinVar:

ClinVar aggregate classification (germline): Uncertain significance (1 of 4 stars; one submission).

Conditions:
Hereditary cancer-predisposing syndrome. Also called: Tumor predisposition; Hereditary neoplastic syndrome; Hereditary Cancer Syndrome; Neoplastic Syndromes, Hereditary. Identifiers: Orphanet 140162, MedGen C0027672, MeSH D009386, MONDO:0015356.

Submission:

Color Diagnostics, LLC DBA Color Health
Classification: Uncertain significance for Hereditary cancer-predisposing syndrome. Last evaluated: 2024-03-07. Review status: criteria provided, single submitter. Criteria: ACMG Guidelines, 2015. Collection method: clinical testing. Allele origin: germline.
Comment: This missense variant replaces serine with arginine at codon 851 of the APC protein. Computational prediction is inconclusive regarding the impact of this variant on protein structure and function (internally defined REVEL score threshold 0.5 < inconclusive < 0.7, PMID: 27666373). To our knowledge, functional studies have not been reported for this variant. This variant has not been reported in individuals affected with hereditary cancer in the literature. This variant has not been identified in the general population by the Genome Aggregation Database (gnomAD). The available evidence is insufficient to determine the role of this variant in disease conclusively. Therefore, this variant is classified as a Variant of Uncertain Significance.

NM_000038.6(APC):c.2553T>G (p.Ser851Arg)

Gene: APC (APC regulator of Wnt signaling pathway; plus strand). Cytogenetic location: 5q22.2.
Variant type: single nucleotide variant.
Coding change: c.2553T>G on transcript NM_000038.6 (MANE Select); coding-DNA position 2553, T replaced by G.
Protein change: p.Ser851Arg; replaces serine 851 with arginine.
Molecular consequence: missense variant.
Genome position (GRCh38, 1-based): chr5:112,838,147, T>G. VCF-style: chr5-112838147-T-G. GRCh37 (hg19) VCF-style: chr5-112173844-T-G.
Other names: c.2553T>G, p.Ser851Arg (NM_001127510.3, NM_001354895.2); c.2499T>G, p.Ser833Arg (NM_001127511.3); c.2607T>G, p.Ser869Arg (NM_001354896.2); c.2583T>G, p.Ser861Arg (NM_001354897.2); c.2478T>G, p.Ser826Arg (NM_001354898.2); c.2469T>G, p.Ser823Arg (NM_001354899.2); c.2430T>G, p.Ser810Arg (NM_001354900.2); c.2376T>G, p.Ser792Arg (NM_001354901.2); and 5 more; short protein forms S568R, S691R, S725R, S750R, S760R, S792R, S810R, S823R.
Identifiers: ClinVar variation 1171680 (VCV001171680.3), dbSNP rs2149872255, ClinGen allele CA16026927.